The following is an entry in ClinVar:

NM_199420.4(POLQ):c.4115A>G (p.His1372Arg)

Gene: POLQ (DNA polymerase theta; minus strand). Cytogenetic location: 3q13.33.
Variant type: single nucleotide variant.
Coding change: c.4115A>G on transcript NM_199420.4 (MANE Select); coding-DNA position 4115, A replaced by G.
Protein change: p.His1372Arg; replaces histidine 1372 with arginine.
Molecular consequence: missense variant.
Genome position (GRCh38, 1-based): chr3:121,488,816, T>C on the plus strand (A>G on the coding strand, the complement: POLQ is on the minus strand). VCF-style: chr3-121488816-T-C. GRCh37 (hg19) VCF-style: chr3-121207663-T-C.
Other names: short protein forms H1372R.
Identifiers: ClinVar variation 1737952 (VCV001737952.2), dbSNP rs2546786322, ClinGen allele CA354096102.

ClinVar aggregate classification (germline): Uncertain significance (1 of 4 stars; one submission).

Allele frequency attached by ClinVar (database versions not stated): gnomAD exomes below 0.00001.
gnomAD v4.1: 3 of 1,613,960 alleles (0.00019%); highest among the groups gnomAD compares: Non-Finnish European, 0.00025%; no homozygotes.

Submission:

Ambry Genetics
Classification: Uncertain significance. Last evaluated: 2021-12-06. Review status: criteria provided, single submitter. Criteria: Ambry Variant Classification Scheme 2023. Collection method: clinical testing. Allele origin: germline.
Comment: The p.H1372R variant (also known as c.4115A>G), located in coding exon 16 of the POLQ gene, results from an A to G substitution at nucleotide position 4115. The histidine at codon 1372 is replaced by arginine, an amino acid with highly similar properties. This amino acid position is conserved. In addition, this alteration is predicted to be tolerated by in silico analysis. Since supporting evidence is limited at this time, the clinical significance of this alteration remains unclear.